The following is an entry in ClinVar:

NM_001148.6(ANK2):c.1881+8C>G

Gene: ANK2 (ankyrin 2; plus strand). Cytogenetic location: 4q26.
Variant type: single nucleotide variant.
Coding change: c.1881+8C>G on transcript NM_001148.6 (MANE Select); 8 bases into the intron after coding-DNA position 1881, C replaced by G.
Molecular consequence: intron variant.
Genome position (GRCh38, 1-based): chr4:113,278,566, C>G. VCF-style: chr4-113278566-C-G. GRCh37 (hg19) VCF-style: chr4-114199722-C-G.
Other names: c.1869+8C>G (NM_001386186.2, NM_001386148.2); c.1671+8C>G (NM_001354269.3); c.1845+8C>G (NM_001386187.2); c.1839+8C>G (NM_001386147.1, NM_001386160.1, NM_001354261.2); c.1818+8C>G (NM_001354254.2, NM_001354239.2, NM_001354252.2 and 10 more transcripts); c.1719+631C>G (NM_001354253.2, NM_001354270.2, NM_001354257.2 and 1 more transcripts); c.1794+8C>G (NM_001354249.2, NM_001354266.2, NM_001354276.2 and 10 more transcripts); c.1695+631C>G (NM_001386151.1, NM_001354260.2, NM_001354271.2); and 8 more.
Identifiers: ClinVar variation 347309 (VCV000347309.27), dbSNP rs74976371, ClinGen allele CA3050394.

ClinVar aggregate classification (germline): Benign/Likely benign. Review status: criteria provided, multiple submitters, no conflicts (2 of 4 stars). 8 submissions from 8 submitters: Benign (7); Likely benign (1). Last evaluated 2026-09-21.

Conditions:
Long QT syndrome (LQTS). Identifiers: MedGen C0023976, MeSH D008133, MONDO:0002442. Disease mechanism: loss of function. Inheritance: Various modes of inheritance.
Cardiac arrhythmia, ankyrin-B-related. Also called: ANKYRIN-B SYNDROME. Identifiers: Orphanet 101016, Orphanet 768, MedGen C1970119, MONDO:0010958, OMIM 600919.

Allele frequency attached by ClinVar (database versions not stated): ESP Exome Variant Server 0.00554; gnomAD exomes 0.00046 and 0.00139; ExAC 0.00166; gnomAD 0.00612 and 0.00570; 1000 Genomes Project 0.00679; 1000 Genomes Project 30x 0.00687; TOPMed 0.00613.
gnomAD v4.1: 1,567 of 1,613,060 alleles (0.097%); highest among the groups gnomAD compares: African/African-American, 1.9%; 12 homozygotes.

Submissions (8):

Molecular Diagnostic Laboratory for Inherited Cardiovascular Disease, Montreal Heart Institute
Classification: Benign. Last evaluated: 2026-09-21. Review status: criteria provided, single submitter. Criteria: ACMG Guidelines, 2015. Collection method: clinical testing. Allele origin: germline. Affected: no.
Comment: BS1; BP4;BP6

Labcorp Genetics (formerly Invitae), Labcorp
Classification: Benign for Long QT syndrome. Last evaluated: 2026-02-02. Review status: criteria provided, single submitter. Criteria: Invitae Variant Classification Sherloc (09022015). Collection method: clinical testing. Allele origin: germline.

Blueprint Genetics
Classification: Likely benign. Last evaluated: 2024-09-25. Review status: criteria provided, single submitter. Criteria: ACMG Guidelines, 2015. Collection method: clinical testing. Allele origin: germline.

Genome-Nilou Lab
Classification: Benign for Cardiac arrhythmia, ankyrin-B-related. Last evaluated: 2021-12-05. Review status: criteria provided, single submitter. Criteria: ACMG Guidelines, 2015. Collection method: clinical testing. Allele origin: germline. Affected: no.

Women's Health and Genetics/Laboratory Corporation of America, LabCorp
Classification: Benign. Last evaluated: 2018-02-05. Review status: criteria provided, single submitter. Criteria: LabCorp Variant Classification Summary - May 2015. Collection method: clinical testing. Allele origin: germline.
Comment: Variant summary: ANK2 c.1881+8C>G alters a non-conserved intronic nucleotide in intron 17 of the ANK2 gene. 5/5 computational tools predict no significant impact on normal splicing. However, these predictions have yet to be functionally assessed. The variant allele was found at a frequency of 0.0018 in 277002 control chromosomes in the gnomAD database, including 4 homozygotes. The observed variant frequency is approximately 183-folds higher than the estimated maximal expected allele frequency for a pathogenic variant in ANK2 causing Arrhythmia phenotype (1e-05), strongly suggesting that the variant is benign. To our knowledge, the variant, c.1881+8C>G, has not been reported in affected individuals via publications. Multiple clinical diagnostic laboratories have ClinVar submissions (after 2014) with classifications of "likely benign/benign." Based on the evidence outlined above, the variant was classified as benign.

Illumina Laboratory Services, Illumina
Classification: Benign for Cardiac arrhythmia, ankyrin-B-related. Last evaluated: 2018-01-12. Review status: criteria provided, single submitter. Criteria: ICSL Variant Classification Criteria 13 December 2019. Collection method: clinical testing. Allele origin: germline.
Comment: This variant was observed in the ICSL laboratory as part of a predisposition screen in an ostensibly healthy population. It had not been previously curated by ICSL or reported in the Human Gene Mutation Database (HGMD: prior to June 1st, 2018), and was therefore a candidate for classification through an automated scoring system. Utilizing variant allele frequency, disease prevalence and penetrance estimates, and inheritance mode, an automated score was calculated to assess if this variant is too frequent to cause the disease. Based on the score and internal cut-off values, a variant classified as benign is not then subjected to further curation. The score for this variant resulted in a classification of benign for this disease.

ARUP Laboratories, Molecular Genetics and Genomics, ARUP Laboratories
Classification: Benign. Last evaluated: 2017-01-05. Review status: criteria provided, single submitter. Criteria: ARUP Molecular Germline Variant Investigation Process. Collection method: clinical testing. Allele origin: germline.

GeneDx
Classification: Benign. Last evaluated: 2015-03-03. Review status: criteria provided, single submitter. Criteria: GeneDx Variant Classification Process June 2021. Collection method: clinical testing. Allele origin: germline. Affected: yes.